The following is an entry in ClinVar:

NM_003611.3(OFD1):c.828+5T>C

Gene: OFD1 (OFD1 centriole and centriolar satellite protein; plus strand). Cytogenetic location: Xp22.2.
Variant type: single nucleotide variant.
Coding change: c.828+5T>C on transcript NM_003611.3 (MANE Select); 5 bases into the intron after coding-DNA position 828, T replaced by C.
Molecular consequence: intron variant.
Genome position (GRCh38, 1-based): chrX:13,746,958, T>C. VCF-style: chrX-13746958-T-C. GRCh37 (hg19) VCF-style: chrX-13765077-T-C.
Other names: c.408+5T>C (NM_001330210.2); c.828+5T>C (NM_001330209.2).
Identifiers: ClinVar variation 3756515 (VCV003756515.2).
Genomic context (GRCh38, chrX:13,746,958, plus strand): 5'-AAGCTCTCGTTCTTCGGGAAAAGAGTACCCTTGAAAGAATTCACAAGCACCAAGAGGTGG[T>C]ATTTACAAATATTTTATGGGTGGCTATTTCCTGCAGCTATTAGTAGGTTGGCTCGAGATC-3'

ClinVar aggregate classification (germline): Uncertain significance (1 of 4 stars; one submission).

Conditions:
Joubert syndrome. Also called: CEREBELLOPARENCHYMAL DISORDER IV; JOUBERT-BOLTSHAUSER SYNDROME; Familial aplasia of the vermis. Identifiers: Orphanet 475, MedGen C5979921, MONDO:0018772.
Orofaciodigital syndrome I (OFD1). Also called: OFDS I; Papillon-Leage and Psaume Syndrome; Oral-Facial-Digital Syndrome Type I. Identifiers: Orphanet 2750, MedGen C1510460, MONDO:0010702, OMIM 311200.

gnomAD v4.1: 3 of 1,201,853 alleles (0.00025%); highest among the groups gnomAD compares: African/African-American, 0.0053%; no homozygotes.

Submission:

Labcorp Genetics (formerly Invitae), Labcorp
Classification: Uncertain significance for Orofaciodigital syndrome I; Joubert syndrome. Last evaluated: 2024-05-23. Review status: criteria provided, single submitter. Criteria: Invitae Variant Classification Sherloc (09022015). Collection method: clinical testing. Allele origin: germline.
Comment: This sequence change falls in intron 8 of the OFD1 gene. It does not directly change the encoded amino acid sequence of the OFD1 protein. It affects a nucleotide within the consensus splice site. This variant is present in population databases (rs778261634, gnomAD 0.008%). This variant has not been reported in the literature in individuals affected with OFD1-related conditions. Variants that disrupt the consensus splice site are a relatively common cause of aberrant splicing (PMID: 17576681, 9536098). Algorithms developed to predict the effect of sequence changes on RNA splicing suggest that this variant may disrupt the consensus splice site. In summary, the available evidence is currently insufficient to determine the role of this variant in disease. Therefore, it has been classified as a Variant of Uncertain Significance.

Literature cited by the submitters: PubMed 17576681; PubMed 9536098.